The following is an entry in ClinVar:

ClinVar aggregate classification (germline): Uncertain significance. Review status: criteria provided, multiple submitters, no conflicts (2 of 4 stars). 5 submissions from 5 submitters: Uncertain significance (5). Last evaluated 2026-01-25.

Conditions:
Hereditary cancer-predisposing syndrome. Also called: Tumor predisposition; Neoplastic Syndromes, Hereditary; Hereditary Cancer Syndrome; Hereditary neoplastic syndrome. Identifiers: Orphanet 140162, MedGen C0027672, MeSH D009386, MONDO:0015356.
Fanconi anemia complementation group J. Also called: BRIP1-Related Fanconi Anemia. Identifiers: Orphanet 84, MedGen C1836860, MONDO:0012187, OMIM 609054.
Familial cancer of breast. Also called: BREAST CANCER, FAMILIAL; hereditary breast carcinoma; Hereditary breast cancer. Identifiers: Orphanet 227535, MedGen C0346153, MONDO:0016419, OMIM 114480. Disease mechanism: loss of function.

Allele frequency attached by ClinVar (database versions not stated): gnomAD exomes below 0.00001 and 0.00001; gnomAD 0.00001; ExAC 0.00002.
gnomAD v4.1: 3 of 1,613,896 alleles (0.00019%); highest among the groups gnomAD compares: East Asian, 0.0067%; no homozygotes.

Submissions (5):

Labcorp Genetics (formerly Invitae), Labcorp
Classification: Uncertain significance for Familial cancer of breast; Fanconi anemia complementation group J. Last evaluated: 2026-01-25. Review status: criteria provided, single submitter. Criteria: Invitae Variant Classification Sherloc (09022015). Collection method: clinical testing. Allele origin: germline.
Comment: This sequence change replaces isoleucine, which is neutral and non-polar, with threonine, which is neutral and polar, at codon 782 of the BRIP1 protein (p.Ile782Thr). This variant is present in population databases (rs778758437, gnomAD 0.02%). This missense change has been observed in individual(s) with Fanconi anemia (PMID: 30031030). ClinVar contains an entry for this variant (Variation ID: 491439). Invitae Evidence Modeling of protein sequence and biophysical properties (such as structural, functional, and spatial information, amino acid conservation, physicochemical variation, residue mobility, and thermodynamic stability) has been performed for this missense variant. However, the output from this modeling did not meet the statistical confidence thresholds required to predict the impact of this variant on BRIP1 protein function. In summary, the available evidence is currently insufficient to determine the role of this variant in disease. Therefore, it has been classified as a Variant of Uncertain Significance.

Center for Genomic Medicine, Rigshospitalet, Copenhagen University Hospital
Classification: Uncertain significance. Last evaluated: 2025-03-04. Review status: criteria provided, single submitter. Criteria: ACMG Guidelines, 2015. Collection method: clinical testing. Allele origin: germline.

Color Diagnostics, LLC DBA Color Health
Classification: Uncertain significance for Hereditary cancer-predisposing syndrome. Last evaluated: 2024-04-30. Review status: criteria provided, single submitter. Criteria: ACMG Guidelines, 2015. Collection method: clinical testing. Allele origin: germline.
Comment: This missense variant replaces isoleucine with threonine at codon 782 of the BRIP1 protein. Computational prediction is inconclusive regarding the impact of this variant on protein structure and function. To our knowledge, functional studies have not been reported for this variant. This variant has not been reported in individuals affected with BRIP1-related disorders in the literature. This variant has been identified in 2/251336 chromosomes in the general population by the Genome Aggregation Database (gnomAD). The available evidence is insufficient to determine the role of this variant in disease conclusively. Therefore, this variant is classified as a Variant of Uncertain Significance.

Ambry Genetics
Classification: Uncertain significance for Hereditary cancer-predisposing syndrome. Last evaluated: 2023-12-11. Review status: criteria provided, single submitter. Criteria: Ambry Variant Classification Scheme 2023. Collection method: clinical testing. Allele origin: germline.
Comment: The p.I782T variant (also known as c.2345T>C), located in coding exon 15 of the BRIP1 gene, results from a T to C substitution at nucleotide position 2345. The isoleucine at codon 782 is replaced by threonine, an amino acid with similar properties. In this individual, the variant was confirmed in trans with another missense alteration in FANCJ/BRIP1; however, functional analyses were not able to be completed in this case (Li N et al. Exp Hematol, 2018 10;66:32-41.e8). This amino acid position is not well conserved in available vertebrate species. In addition, the in silico prediction for this alteration is inconclusive. Since supporting evidence is limited at this time, the clinical significance of this alteration remains unclear.

GeneDx
Classification: Uncertain significance. Last evaluated: 2019-05-30. Review status: criteria provided, single submitter. Criteria: GeneDx Variant Classification Process June 2021. Collection method: clinical testing. Allele origin: germline. Affected: yes.
Comment: Not observed at a significant frequency in large population cohorts (Lek et al., 2016); This variant is associated with the following publications: (PMID: 30031030)

Literature cited by the submitters: PubMed 30031030 (cited by 3 submitters).

NM_032043.3(BRIP1):c.2345T>C (p.Ile782Thr)

Gene: BRIP1 (BRCA1 interacting DNA helicase 1; minus strand). Cytogenetic location: 17q23.2.
Variant type: single nucleotide variant.
Coding change: c.2345T>C on transcript NM_032043.3 (MANE Select); coding-DNA position 2345, T replaced by C.
Protein change: p.Ile782Thr; replaces isoleucine 782 with threonine.
Molecular consequence: missense variant.
Genome position (GRCh38, 1-based): chr17:61,743,047, A>G on the plus strand (T>C on the coding strand, the complement: BRIP1 is on the minus strand). VCF-style: chr17-61743047-A-G. GRCh37 (hg19) VCF-style: chr17-59820408-A-G.
Other names: short protein forms I782T.
Identifiers: ClinVar variation 491439 (VCV000491439.19), dbSNP rs778758437, ClinGen allele CA8690547.